The following is an entry in ClinVar:

NM_015378.4(VPS13D):c.10205G>A (p.Arg3402His)

Gene: VPS13D (vacuolar protein sorting 13 homolog D; plus strand). Cytogenetic location: 1p36.22.
Variant type: single nucleotide variant.
Coding change: c.10205G>A on transcript NM_015378.4 (MANE Select); coding-DNA position 10205, G replaced by A.
Protein change: p.Arg3402His; replaces arginine 3402 with histidine.
Molecular consequence: missense variant.
Genome position (GRCh38, 1-based): chr1:12,362,783, G>A. VCF-style: chr1-12362783-G-A. GRCh37 (hg19) VCF-style: chr1-12422839-G-A.
Other names: c.10130G>A, p.Arg3377His (NM_018156.4); short protein forms R3377H, R3402H.
Identifiers: ClinVar variation 1805007 (VCV001805007.1), dbSNP rs753802851, ClinGen allele CA603631.
Genomic context (GRCh38, chr1:12,362,783, plus strand): 5'-TTGATGTCAAGAAAGGCCGAGGTCGATACATTGATACCTGCATGGTCATCTTTGCCCCCC[G>A]TTACCTGTTAGATAATAAATCATCTCACAAGCTTGCATTTGCACAGAGGGAATTTGCCAG-3'
Protein context (NP_056193.2, residues 3392-3412): IDTCMVIFAP[Arg3402His]YLLDNKSSHK

ClinVar aggregate classification (germline): Uncertain significance (1 of 4 stars; one submission).

Conditions:
Autosomal recessive cerebellar ataxia-saccadic intrusion syndrome. Also called: SPINOCEREBELLAR ATAXIA 24; VPS13D Movement Disorder. Identifiers: Orphanet 95434, MedGen C1846492, MONDO:0011811, OMIM 607317.

Allele frequency attached by ClinVar (database versions not stated): ExAC 0.00002.

Submission:

Victorian Clinical Genetics Services, Murdoch Childrens Research Institute
Classification: Uncertain significance for Autosomal recessive cerebellar ataxia-saccadic intrusion syndrome. Last evaluated: 2021-05-06. Review status: criteria provided, single submitter. Criteria: ACMG Guidelines, 2015. Collection method: clinical testing. Allele origin: germline. Inheritance: Autosomal recessive inheritance.
Comment: Based on the classification scheme VCGS_Germline_v1.3.4, this variant is classified as VUS-3A. Following criteria are met: 0102 - Loss of function is a known mechanism of disease in this gene and is associated with spinocerebellar ataxia, 4 (MIM#607317). (I) 0106 - This gene is associated with autosomal recessive disease. (I) 0200 - Variant is predicted to result in a missense amino acid change from arginine to histidine. (I) 0251 - This variant is heterozygous. (I) 0304 - Variant is present in gnomAD (v2) <0.01 for a recessive condition (2 heterozygotes, 0 homozygotes). (SP) 0309 - An alternative amino acid change at the same position has been observed in gnomAD (v3) (6 heterozygotes, 0 homozygotes). (I) 0501 - Missense variant consistently predicted to be damaging by multiple in silico tools or highly conserved with a major amino acid change. (SP) 0600 - Variant is located in the annotated SHR-binding domain (NCBI). (I) 0705 - No comparable missense variants have previous evidence for pathogenicity. (I) 0807 - This variant has no previous evidence of pathogenicity. (I) 0905 - No published segregation evidence has been identified for this variant. (I) 1007 - No published functional evidence has been identified for this variant. (I) Legend: (SP) - Supporting pathogenic, (I) - Information, (SB) - Supporting benign